The following is an entry in ClinVar:

NM_002941.4(ROBO1):c.2578T>G (p.Ser860Ala)

Gene: ROBO1 (roundabout guidance receptor 1; minus strand). Cytogenetic location: 3p12.3.
Variant type: single nucleotide variant.
Coding change: c.2578T>G on transcript NM_002941.4 (MANE Select); coding-DNA position 2578, T replaced by G.
Protein change: p.Ser860Ala; replaces serine 860 with alanine.
Molecular consequence: missense variant.
Genome position (GRCh38, 1-based): chr3:78,657,134, A>C on the plus strand (T>G on the coding strand, the complement: ROBO1 is on the minus strand). VCF-style: chr3-78657134-A-C. GRCh37 (hg19) VCF-style: chr3-78706284-A-C.
Other names: c.2470T>G, p.Ser824Ala (NM_001145845.2, NM_133631.4); short protein forms S824A, S860A.
Identifiers: ClinVar variation 3716775 (VCV003716775.2).

ClinVar aggregate classification (germline): Uncertain significance (1 of 4 stars; one submission).

gnomAD v4.1: 20 of 1,611,670 alleles (0.0012%); highest among the groups gnomAD compares: Middle Eastern, 0.016%; no homozygotes.

Submission:

Labcorp Genetics (formerly Invitae), Labcorp
Classification: Uncertain significance. Last evaluated: 2024-03-30. Review status: criteria provided, single submitter. Criteria: Invitae Variant Classification Sherloc (09022015). Collection method: clinical testing. Allele origin: germline.
Comment: This sequence change replaces serine, which is neutral and polar, with alanine, which is neutral and non-polar, at codon 860 of the ROBO1 protein (p.Ser860Ala). This variant is present in population databases (rs765830793, gnomAD 0.01%). This variant has not been reported in the literature in individuals affected with ROBO1-related conditions. Advanced modeling of protein sequence and biophysical properties (such as structural, functional, and spatial information, amino acid conservation, physicochemical variation, residue mobility, and thermodynamic stability) performed at Invitae indicates that this missense variant is not expected to disrupt ROBO1 protein function with a negative predictive value of 95%. In summary, the available evidence is currently insufficient to determine the role of this variant in disease. Therefore, it has been classified as a Variant of Uncertain Significance.